The following is an entry in ClinVar:

ClinVar aggregate classification (germline): Pathogenic (1 of 4 stars; one submission).

Submission:

Labcorp Genetics (formerly Invitae), Labcorp
Classification: Pathogenic. Last evaluated: 2023-07-06. Review status: criteria provided, single submitter. Criteria: Invitae Variant Classification Sherloc (09022015). Collection method: clinical testing. Allele origin: germline.
Comment: For these reasons, this variant has been classified as Pathogenic. This sequence change creates a premature translational stop signal (p.Pro3195Hisfs*18) in the FRAS1 gene. It is expected to result in an absent or disrupted protein product. Loss-of-function variants in FRAS1 are known to be pathogenic (PMID: 12766769, 18671281). This variant has not been reported in the literature in individuals affected with FRAS1-related conditions. This variant is not present in population databases (gnomAD no frequency).

Literature cited by the submitters: PubMed 12766769; PubMed 18671281.

NM_025074.7(FRAS1):c.9584del (p.Pro3195fs)

Gene: FRAS1 (Fraser extracellular matrix complex subunit 1; plus strand). Cytogenetic location: 4q21.21.
Variant type: Deletion.
Coding change: c.9584del on transcript NM_025074.7 (MANE Select); coding-DNA position 9584, one base deleted (C; older notation c.9584delC).
Protein change: p.Pro3195fs; shifts the reading frame from proline 3195.
Molecular consequence: frameshift variant.
Genome position (GRCh38, 1-based): chr4:78,508,810, C deleted; the last of 3 consecutive C bases (chr4:78,508,808-78,508,810); deleting any one gives the same sequence. VCF-style (leftmost placement, unchanged base first): chr4-78508807-AC-A. GRCh37 (hg19) VCF-style: chr4-79429961-AC-A.
Other names: short protein forms P3195fs.
Identifiers: ClinVar variation 2736275 (VCV002736275.3), dbSNP rs2475808538, ClinGen allele CA2697546786.